The following is an entry in ClinVar:

NM_004304.5(ALK):c.2198C>T (p.Thr733Ile)

Gene: ALK (ALK receptor tyrosine kinase; minus strand). Cytogenetic location: 2p23.2.
Variant type: single nucleotide variant.
Coding change: c.2198C>T on transcript NM_004304.5 (MANE Select); coding-DNA position 2198, C replaced by T.
Protein change: p.Thr733Ile; replaces threonine 733 with isoleucine.
Molecular consequence: missense variant.
Genome position (GRCh38, 1-based): chr2:29,251,111, G>A on the plus strand (C>T on the coding strand, the complement: ALK is on the minus strand). VCF-style: chr2-29251111-G-A. GRCh37 (hg19) VCF-style: chr2-29473977-G-A.
Other names: short protein forms T733I.
Identifiers: ClinVar variation 4272795 (VCV004272795.1).

ClinVar aggregate classification (germline): Uncertain significance (1 of 4 stars; one submission).

Conditions:
Hereditary cancer-predisposing syndrome. Also called: Hereditary Cancer Syndrome; Hereditary neoplastic syndrome; Neoplastic Syndromes, Hereditary; Tumor predisposition. Identifiers: Orphanet 140162, MedGen C0027672, MeSH D009386, MONDO:0015356.

gnomAD v4.1: 1 of 1,614,018 alleles (0.000062%); highest among the groups gnomAD compares: Non-Finnish European, 0.000085%; no homozygotes.

Submission:

Ambry Genetics
Classification: Uncertain significance for Hereditary cancer-predisposing syndrome. Last evaluated: 2025-08-19. Review status: criteria provided, single submitter. Criteria: Ambry Variant Classification Scheme 2023. Collection method: clinical testing. Allele origin: germline.
Comment: The p.T733I variant (also known as c.2198C>T), located in coding exon 12 of the ALK gene, results from a C to T substitution at nucleotide position 2198. The threonine at codon 733 is replaced by isoleucine, an amino acid with similar properties. This amino acid position is well conserved in available vertebrate species. In addition, the in silico prediction for this alteration is inconclusive. Based on the available evidence, the clinical significance of this variant remains unclear.